The following is an entry in ClinVar:

NM_001098484.3(SLC4A4):c.*2353C>G

Gene: SLC4A4 (solute carrier family 4 member 4; plus strand). Cytogenetic location: 4q13.3.
Variant type: single nucleotide variant.
Coding change: c.*2353C>G on transcript NM_001098484.3 (MANE Select); 2353 bases downstream of the stop codon, C replaced by G.
Molecular consequence: 3 prime UTR variant.
Genome position (GRCh38, 1-based): chr4:71,570,104, C>G. VCF-style: chr4-71570104-C-G. GRCh37 (hg19) VCF-style: chr4-72435821-C-G.
Other names: c.*2211C>G (NM_001134742.2); c.*2353C>G (NM_003759.4).
Identifiers: ClinVar variation 349596 (VCV000349596.5), dbSNP rs72854484, ClinGen allele CA10619162.
Genomic context (GRCh38, chr4:71,570,104, plus strand): 5'-GAAGCATCAATAAATTGTTTAAAAACCATGTATAGTAAATTCAGCTTAACCCGTGATCTT[C>G]TTAAGTTAAAGGTACTTTTGTTTTATAAAAGCTCTAGATAAAACTTTCTTTTCTGATCAT-3'

ClinVar aggregate classification (germline): Benign (1 of 4 stars; one submission).

Conditions:
Autosomal recessive proximal renal tubular acidosis (PRTAO). Also called: RTA, PROXIMAL, AUTOSOMAL RECESSIVE; RENAL TUBULAR ACIDOSIS, PROXIMAL, WITH OCULAR ABNORMALITIES AND MENTAL RETARDATION; RENAL TUBULAR ACIDOSIS, PROXIMAL, WITH OCULAR ABNORMALITIES AND IMPAIRED INTELLECTUAL DEVELOPMENT; PROXIMAL RENAL TUBULAR ACIDOSIS-OCULAR ANOMALY SYNDROME. Identifiers: Orphanet 93607, MedGen C1970309, MONDO:0011422, OMIM 604278.

Allele frequency attached by ClinVar (database versions not stated): gnomAD 0.00591 and 0.00624; 1000 Genomes Project 30x 0.00656; TOPMed 0.00674; 1000 Genomes Project 0.00679.

Submission:

Illumina Laboratory Services, Illumina
Classification: Benign for Autosomal recessive proximal renal tubular acidosis. Last evaluated: 2018-01-13. Review status: criteria provided, single submitter. Criteria: ICSL Variant Classification Criteria 13 December 2019. Collection method: clinical testing. Allele origin: germline.
Comment: This variant was observed in the ICSL laboratory as part of a predisposition screen in an ostensibly healthy population. It had not been previously curated by ICSL or reported in the Human Gene Mutation Database (HGMD: prior to June 1st, 2018), and was therefore a candidate for classification through an automated scoring system. Utilizing variant allele frequency, disease prevalence and penetrance estimates, and inheritance mode, an automated score was calculated to assess if this variant is too frequent to cause the disease. Based on the score and internal cut-off values, a variant classified as benign is not then subjected to further curation. The score for this variant resulted in a classification of benign for this disease.